The following is an entry in ClinVar:

NM_001061.7(TBXAS1):c.1496A>C (p.Lys499Thr)

Gene: TBXAS1 (thromboxane A synthase 1; plus strand). Cytogenetic location: 7q34.
Variant type: single nucleotide variant.
Coding change: c.1496A>C on transcript NM_001061.7 (MANE Select); coding-DNA position 1496, A replaced by C.
Protein change: p.Lys499Thr; replaces lysine 499 with threonine.
Molecular consequence: missense variant. On other transcripts: intron variant (1).
Genome position (GRCh38, 1-based): chr7:140,017,802, A>C. VCF-style: chr7-140017802-A-C. GRCh37 (hg19) VCF-style: chr7-139717602-A-C.
Other names: c.1496A>C, p.Lys499Thr (NM_001130966.5); c.1634A>C, p.Lys545Thr (NM_001166253.4); c.1295A>C, p.Lys432Thr (NM_001166254.4); c.1439A>C, p.Lys480Thr (NM_001314028.4); c.1313A>C, p.Lys438Thr (NM_001366537.3); c.1364+1942A>C (NM_030984.6); short protein forms K432T, K480T, K438T, K499T, K545T, K500T, K546T.
Identifiers: ClinVar variation 2071855 (VCV002071855.2), dbSNP rs80244437, ClinGen allele CA4512063.

ClinVar aggregate classification (germline): Uncertain significance (1 of 4 stars; one submission).

Allele frequency attached by ClinVar (database versions not stated): 1000 Genomes Project 30x 0.00016; gnomAD exomes 0.00016; 1000 Genomes Project 0.00020; ExAC 0.00021; gnomAD 0.00032; TOPMed 0.00036; ESP Exome Variant Server 0.00054.
gnomAD v4.1: 291 of 1,613,978 alleles (0.018%); highest among the groups gnomAD compares: Middle Eastern, 0.099%; no homozygotes.

Submission:

Labcorp Genetics (formerly Invitae), Labcorp
Classification: Uncertain significance. Last evaluated: 2025-08-29. Review status: criteria provided, single submitter. Criteria: Invitae Variant Classification Sherloc (09022015). Collection method: clinical testing. Allele origin: germline.
Comment: This sequence change replaces lysine, which is basic and polar, with threonine, which is neutral and polar, at codon 500 of the TBXAS1 protein (p.Lys500Thr). This variant is present in population databases (rs80244437, gnomAD 0.05%). This variant has not been reported in the literature in individuals affected with TBXAS1-related conditions. ClinVar contains an entry for this variant (Variation ID: 2071855). An algorithm developed to predict the effect of missense changes on protein structure and function (PolyPhen-2) suggests that this variant is likely to be tolerated. In summary, the available evidence is currently insufficient to determine the role of this variant in disease. Therefore, it has been classified as a Variant of Uncertain Significance.